The following is an entry in ClinVar:

ClinVar aggregate classification (germline): Uncertain significance. Review status: criteria provided, multiple submitters, no conflicts (2 of 4 stars). 3 submissions from 3 submitters: Uncertain significance (3). Last evaluated 2025-10-27.

Conditions:
Spermatogenic failure 28. Identifiers: MedGen C4748117, MONDO:0054732, OMIM 618086.
Premature ovarian failure 15. Identifiers: MedGen C4748170, MONDO:0054862, OMIM 618096.
Fanconi anemia (FA). Also called: Fanconi's anemia. Identifiers: Orphanet 84, MedGen C0015625, MeSH D005199, MONDO:0019391.

Allele frequency attached by ClinVar (database versions not stated): ExAC 0.00002; gnomAD exomes 0.00002 and 0.00005; gnomAD 0.00009; ESP Exome Variant Server 0.00015; TOPMed 0.00015.
gnomAD v4.1: 44 of 1,613,884 alleles (0.0027%); highest among the groups gnomAD compares: African/African-American, 0.048%; no homozygotes.

Submissions (3):

Labcorp Genetics (formerly Invitae), Labcorp
Classification: Uncertain significance for Fanconi anemia. Last evaluated: 2025-10-27. Review status: criteria provided, single submitter. Criteria: Invitae Variant Classification Sherloc (09022015). Collection method: clinical testing. Allele origin: germline.
Comment: This sequence change replaces lysine, which is basic and polar, with asparagine, which is neutral and polar, at codon 1662 of the FANCM protein (p.Lys1662Asn). This variant is present in population databases (rs151273573, gnomAD 0.03%). This variant has not been reported in the literature in individuals affected with FANCM-related conditions. ClinVar contains an entry for this variant (Variation ID: 580138). An algorithm developed to predict the effect of missense changes on protein structure and function outputs the following: PolyPhen-2: "Benign". The asparagine amino acid residue is found in multiple mammalian species, which suggests that this missense change does not adversely affect protein function. In summary, the available evidence is currently insufficient to determine the role of this variant in disease. Therefore, it has been classified as a Variant of Uncertain Significance.

GeneDx
Classification: Uncertain significance. Last evaluated: 2024-06-11. Review status: criteria provided, single submitter. Criteria: GeneDx Variant Classification Process June 2021. Collection method: clinical testing. Allele origin: germline. Affected: yes.
Comment: In silico analysis indicates that this missense variant does not alter protein structure/function; Has not been previously published as pathogenic or benign to our knowledge

Fulgent Genetics
Classification: Uncertain significance for Spermatogenic failure 28; Premature ovarian failure 15. Last evaluated: 2022-03-04. Review status: criteria provided, single submitter. Criteria: ACMG Guidelines, 2015. Collection method: clinical testing. Allele origin: unknown.

NM_020937.4(FANCM):c.4986G>T (p.Lys1662Asn)

Gene: FANCM (FA complementation group M; plus strand). Cytogenetic location: 14q21.2.
Variant type: single nucleotide variant.
Coding change: c.4986G>T on transcript NM_020937.4 (MANE Select); coding-DNA position 4986, G replaced by T.
Protein change: p.Lys1662Asn; replaces lysine 1662 with asparagine.
Molecular consequence: missense variant.
Genome position (GRCh38, 1-based): chr14:45,189,008, G>T. VCF-style: chr14-45189008-G-T. GRCh37 (hg19) VCF-style: chr14-45658211-G-T.
Other names: c.4986G>T (LRG_502t1); c.4908G>T, p.Lys1636Asn (NM_001308133.2); short protein forms K1662N, K1636N.
Identifiers: ClinVar variation 580138 (VCV000580138.14), dbSNP rs151273573, ClinGen allele CA7169888.
Genomic context (GRCh38, chr14:45,189,008, plus strand): 5'-AACTCGACGTGCAGTAATGCTAAAAGAAATGATGGAACAAAATTGTGCACATTCAAAAAA[G>T]AAATTATCCAGAATTATTTTACCAGATGATTCAAGTGAGGAGGAGAACAATGTAAATGAT-3'
Protein context (NP_065988.1, residues 1652-1672): MMEQNCAHSK[Lys1662Asn]KLSRIILPDD